The following is an entry in ClinVar:

ClinVar aggregate classification (germline): Likely benign. Review status: criteria provided, multiple submitters, no conflicts (2 of 4 stars). 3 submissions from 3 submitters: Likely benign (3). Last evaluated 2025-12-03.

Conditions:
POLD1-related polyposis and colorectal cancer syndrome (CRCS10). Also called: Colorectal cancer 10; COLORECTAL CANCER, SUSCEPTIBILITY TO, ON CHROMOSOME 19q; Colorectal cancer, susceptibility to, 10. Identifiers: Orphanet 220460, MedGen C2675481, MONDO:0012953, OMIM 612591.

Allele frequency attached by ClinVar (database versions not stated): gnomAD exomes below 0.00001; TOPMed below 0.00001; gnomAD 0.00001.

Submissions (3):

Labcorp Genetics (formerly Invitae), Labcorp
Classification: Likely benign for POLD1-related polyposis and colorectal cancer syndrome. Last evaluated: 2025-12-03. Review status: criteria provided, single submitter. Criteria: Invitae Variant Classification Sherloc (09022015). Collection method: clinical testing. Allele origin: germline.

Myriad Genetics, Inc.
Classification: Likely benign for POLD1-related polyposis and colorectal cancer syndrome. Last evaluated: 2025-02-05. Review status: criteria provided, single submitter. Criteria: Myriad Autosomal Dominant, Autosomal Recessive and X-Linked Classification Criteria (2023). Collection method: clinical testing. Allele origin: unknown.
Comment: This variant is considered likely benign. This variant is intronic and is not expected to impact mRNA splicing.

GeneDx
Classification: Likely benign. Last evaluated: 2017-10-30. Review status: criteria provided, single submitter. Criteria: GeneDx Variant Classification (06012015). Collection method: clinical testing. Allele origin: germline. Affected: yes.
Comment: This variant is considered likely benign or benign based on one or more of the following criteria: it is a conservative change, it occurs at a poorly conserved position in the protein, it is predicted to be benign by multiple in silico algorithms, and/or has population frequency not consistent with disease.

NM_002691.4(POLD1):c.1243-12dup

Gene: POLD1 (DNA polymerase delta 1, catalytic subunit; plus strand). Cytogenetic location: 19q13.33.
Variant type: Duplication.
Coding change: c.1243-12dup on transcript NM_002691.4 (MANE Select); 12 bases into the intron before coding-DNA position 1243, one base duplicated (T; older notation c.1243-12dupT).
Molecular consequence: intron variant.
Genome position (GRCh38, 1-based): chr19:50,406,170, T duplicated. VCF-style (leftmost placement, unchanged base first): chr19-50406169-C-CT. GRCh37 (hg19) VCF-style: chr19-50909426-C-CT.
Other names: c.1243-12dup (LRG_785t1, LRG_785t2, NM_001256849.1 and 1 more transcripts).
Identifiers: ClinVar variation 421978 (VCV000421978.9), dbSNP rs1491357846, ClinGen allele CA16620889.